The following is an entry in ClinVar:

ClinVar aggregate classification (germline): Likely benign. Review status: reviewed by expert panel (3 of 4 stars). 7 submissions from 7 submitters: Likely benign (1). 6 of the submissions do not count toward it. Last evaluated 2021-03-26.

Conditions:
CDKL5 disorder. Identifiers: MedGen CN296942, MONDO:0100039.
Developmental and epileptic encephalopathy, 2 (DEE2). Also called: CDKL5 deficiency disorder; INFANTILE SPASM SYNDROME, X-LINKED 2. Identifiers: Orphanet 1934, Orphanet 3451, Orphanet 505652, MedGen C4750718, MONDO:0010396, OMIM 300672.
Angelman syndrome-like. Identifiers: MedGen CN128785.

Allele frequency attached by ClinVar (database versions not stated): gnomAD 0.00003 and 0.00002; gnomAD exomes 0.00004; ExAC 0.00005; TOPMed 0.00002.
gnomAD v4.1: 46 of 1,210,567 alleles (0.0038%); highest among the groups gnomAD compares: South Asian, 0.0088%; no homozygotes.

Submissions (7):

ClinGen Rett and Angelman-like Disorders Variant Curation Expert Panel
Classification: Likely benign for CDKL5 disorder. Last evaluated: 2021-03-26. Review status: reviewed by expert panel. Criteria: ClinGen RettAS ACMG Specifications V1. Collection method: curation. Allele origin: germline. Inheritance: X-linked inheritance.
Comment: The allele frequency of the p.Pro976Leu variant in CDKL5 is 0.01% in South Asian sub population in gnomAD, which is high enough to be classified as likely benign based on thresholds defined by the ClinGen Rett/Angelman-like Expert Panel for Rett/AS-like conditions (BS1). The p.Pro976Leu variant is observed in the CDKL5 gene where a second pathogenic variant in the same gene is present in the patient (internal database) (BP2). Computational analysis prediction tools suggest that the p.Pro976Leu variant does not have a deleterious impact; however this information does not predict clinical significance on its own (BP4). In summary, the p.Pro976Leu variant in CDKL5 is classified as likely benign based on the ACMG/AMP criteria (BS1, BP2, BP4).

CeGaT Center for Human Genetics Tuebingen
Classification: Likely benign. Last evaluated: 2025-06-01. Review status: criteria provided, single submitter. Criteria: CeGaT Center For Human Genetics Tuebingen Variant Classification Criteria Version 2. Collection method: clinical testing. Allele origin: germline. Affected: yes. Observed: 1 variant allele. Not counted in ClinVar's aggregate classification.
Comment: CDKL5: BP4, BS2

Labcorp Genetics (formerly Invitae), Labcorp
Classification: Benign for Developmental and epileptic encephalopathy, 2; Angelman syndrome-like. Last evaluated: 2024-10-16. Review status: criteria provided, single submitter. Criteria: Invitae Variant Classification Sherloc (09022015). Collection method: clinical testing. Allele origin: germline. Not counted in ClinVar's aggregate classification.

Centre for Population Genomics, CPG
Classification: Likely benign for CDKL5 disorder. Last evaluated: 2024-07-22. Review status: criteria provided, single submitter. Criteria: McKnight et al. (Hum Mutat. 2022). Collection method: curation. Allele origin: germline. Inheritance: X-linked inheritance. Not counted in ClinVar's aggregate classification.
Comment: This variant has been collected from RettBASE and curated to current modified ACMG/AMP criteria. Based on the classification scheme defined by the ClinGen Rett/Angelman-like Expert Panel for Rett/AS-like Disorders Specifications to the ACMG/AMP Variant Interpretation Guidelines VCEP 3.0, this variant is classified as likely benign. At least the following criteria are met: The allele frequency of this variant in at least one population in gnomAD is between 0.008% and 0.03% (BS1). Computational prediction analysis tools suggest no impact on gene product (REVEL score <= 0.15) (BP4).

Genetic Services Laboratory, University of Chicago
Classification: Likely benign. Last evaluated: 2018-08-28. Review status: criteria provided, single submitter. Criteria: ACMG Guidelines, 2015. Collection method: clinical testing. Allele origin: germline. Affected: no. Not counted in ClinVar's aggregate classification.

GeneDx
Classification: Likely benign. Last evaluated: 2017-10-09. Review status: criteria provided, single submitter. Criteria: GeneDx Variant Classification (06012015). Collection method: clinical testing. Allele origin: germline. Affected: yes. Not counted in ClinVar's aggregate classification.
Comment: This variant is considered likely benign or benign based on one or more of the following criteria: it is a conservative change, it occurs at a poorly conserved position in the protein, it is predicted to be benign by multiple in silico algorithms, and/or has population frequency not consistent with disease.

RettBASE
Classification: Likely benign. Last evaluated: 2014-05-15. Review status: no assertion criteria provided. Collection method: curation. Allele origin: de novo. Observed: 1 variant allele. Not counted in ClinVar's aggregate classification.
Comment: In exon 20, only affects original isoforms; In silico prediction: SIFT = tolerated, MutationTaster = polymorphism, PolyPhen2 = benign, AlignGVGD = benign (C0)

NM_000330.4(RS1):c.185-3207G>A

Genes: CDKL5 (cyclin dependent kinase like 5; plus strand), RS1 (retinoschisin 1; minus strand). Cytogenetic location: Xp22.13.
Variant type: single nucleotide variant.
Coding change: c.185-3207G>A on transcript NM_000330.4 (MANE Select); 3207 bases into the intron before coding-DNA position 185, G replaced by A.
Molecular consequence: intron variant. On other transcripts: missense variant (3).
Genome position (GRCh38, 1-based): chrX:18,650,539, C>T on the plus strand (G>A on the coding strand, the complement: RS1 is on the minus strand). VCF-style: chrX-18650539-C-T. GRCh37 (hg19) VCF-style: chrX-18668659-C-T.
Other names: p.P976L:CCG>CTG; c.2927C>T, p.Pro976Leu (NM_001037343.2, NM_003159.3); c.2927C>T (NM_003159.2); short protein forms P976L.
Identifiers: ClinVar variation 156694 (VCV000156694.29), dbSNP rs587783161, ClinGen allele CA171640.
Genomic context (GRCh38, chrX:18,650,539, plus strand): 5'-GTCCAATCTCCAGTCCTGCTCCCTATCCAGTACTCCAGGTCCGAGGCACTTCCATGTGCC[C>T]GACACTCCAGGTCCGAGGCACTGATGCTTTCAGCTGCCCAACCCAGCAATCCGGTAAGCA-3'